The following is an entry in ClinVar:

NM_001401501.2(MUC16):c.39421G>A (p.Val13141Met)

Gene: MUC16 (mucin 16, cell surface associated; minus strand). Cytogenetic location: 19p13.2.
Variant type: single nucleotide variant.
Coding change: c.39421G>A on transcript NM_001401501.2 (MANE Select); coding-DNA position 39421, G replaced by A.
Protein change: p.Val13141Met; replaces valine 13141 with methionine.
Molecular consequence: missense variant.
Genome position (GRCh38, 1-based): chr19:8,897,641, C>T on the plus strand (G>A on the coding strand, the complement: MUC16 is on the minus strand). VCF-style: chr19-8897641-C-T. GRCh37 (hg19) VCF-style: chr19-9008317-C-T.
Other names: c.39847G>A, p.Val13283Met (NM_001414686.1); c.39301G>A, p.Val13101Met (NM_001414687.1); c.39235G>A, p.Val13079Met (NM_024690.2); short protein forms V13079M, V13101M, V13141M, V13283M.
Identifiers: ClinVar variation 3039052 (VCV003039052.2), dbSNP rs796696964, ClinGen allele CA305080073.

ClinVar aggregate classification (germline): Benign (0 of 4 stars; one submission).

Conditions:
MUC16-related disorder. Also called: MUC16-related condition.

Allele frequency attached by ClinVar (database versions not stated): 1000 Genomes Project 30x 0.20753.

Submission:

PreventionGenetics, part of Exact Sciences
Classification: Benign for MUC16-related condition. Last evaluated: 2019-06-06. Review status: no assertion criteria provided. Collection method: clinical testing. Allele origin: germline.
Comment: This variant is classified as benign based on ACMG/AMP sequence variant interpretation guidelines (Richards et al. 2015 PMID: 25741868, with internal and published modifications).